The following is an entry in ClinVar:

NM_003865.3(HESX1):c.124C>T (p.His42Tyr)

Gene: HESX1 (HESX homeobox 1; minus strand). Cytogenetic location: 3p14.3.
Variant type: single nucleotide variant.
Coding change: c.124C>T on transcript NM_003865.3 (MANE Select); coding-DNA position 124, C replaced by T.
Protein change: p.His42Tyr; replaces histidine 42 with tyrosine.
Molecular consequence: missense variant.
Genome position (GRCh38, 1-based): chr3:57,199,795, G>A on the plus strand (C>T on the coding strand, the complement: HESX1 is on the minus strand). VCF-style: chr3-57199795-G-A. GRCh37 (hg19) VCF-style: chr3-57233823-G-A.
Other names: c.124C>T, p.His42Tyr (NM_001376058.1, NM_001376059.1, NM_001376060.1 and 1 more transcripts); short protein forms H42Y.
Identifiers: ClinVar variation 1030719 (VCV001030719.13), dbSNP rs761470587, ClinGen allele CA2463326.
Genomic context (GRCh38, chr3:57,199,795, plus strand): 5'-AATTGAAACAATTAAGCTGTGGCATACCTGATGAGCTGCAGGTGTCTGCCCAGGGCCTGT[G>A]GGGTTTCATTAATGGAACACAGTCTTTCTTCTGGTCCAGTCCTAAGATTCTCTCAATTGA-3'
Protein context (NP_003856.1, residues 32-52): KKDCVPLMKP[His42Tyr]RPWADTCSSS

ClinVar aggregate classification (germline): Uncertain significance. Review status: criteria provided, multiple submitters, no conflicts (2 of 4 stars). 6 submissions from 6 submitters: Uncertain significance (6). Last evaluated 2026-09-10.

Conditions:
HESX1-related disorder. Also called: HESX1-related condition.
GROWTH HORMONE DEFICIENCY WITH PITUITARY ANOMALIES. Identifiers: MedGen C2750027, OMIM 182230.
Septo-optic dysplasia sequence (SOD). Also called: DE MORSIER SYNDROME; Septo-optic dysplasia. Identifiers: Orphanet 3157, MedGen C0338503, MONDO:0008428, OMIM 182230, HP:0100842.
Inborn genetic diseases. Identifiers: MedGen C0950123, MeSH D030342.

Allele frequency attached by ClinVar (database versions not stated): gnomAD 0.00001 and 0.00002; ExAC 0.00004; TOPMed 0.00004; gnomAD exomes 0.00006.
gnomAD v4.1: 51 of 1,613,944 alleles (0.0032%); highest among the groups gnomAD compares: Middle Eastern, 0.066%; no homozygotes.

Submissions (6):

PreventionGenetics, part of Exact Sciences
Classification: Uncertain significance for HESX1-related condition. Last evaluated: 2026-09-10. Review status: criteria provided, single submitter. Criteria: ACMG Guidelines, 2015. Collection method: clinical testing. Allele origin: germline.
Comment: The HESX1 c.124C>T variant is predicted to result in the amino acid substitution p.His42Tyr. This variant is reported in 0.023% of alleles in individuals of South Asian descent in gnomAD. It is interpreted as uncertain in ClinVar (Variation ID: 1030719). At this time, the clinical significance of this variant is uncertain due to the absence of conclusive functional and genetic evidence.

Labcorp Genetics (formerly Invitae), Labcorp
Classification: Uncertain significance for GROWTH HORMONE DEFICIENCY WITH PITUITARY ANOMALIES; Septo-optic dysplasia sequence. Last evaluated: 2025-01-20. Review status: criteria provided, single submitter. Criteria: Invitae Variant Classification Sherloc (09022015). Collection method: clinical testing. Allele origin: germline.
Comment: This sequence change replaces histidine, which is basic and polar, with tyrosine, which is neutral and polar, at codon 42 of the HESX1 protein (p.His42Tyr). This variant is present in population databases (rs761470587, gnomAD 0.02%). This missense change has been observed in individual(s) with Kallman syndrome, hypogonadotropic hypogonadism (PMID: 23465708, 36531499). ClinVar contains an entry for this variant (Variation ID: 1030719). An algorithm developed to predict the effect of missense changes on protein structure and function (PolyPhen-2) suggests that this variant is likely to be tolerated. In summary, the available evidence is currently insufficient to determine the role of this variant in disease. Therefore, it has been classified as a Variant of Uncertain Significance.

Genomic Medicine Center of Excellence, King Faisal Specialist Hospital and Research Centre
Classification: Uncertain significance for Septo-optic dysplasia sequence. Last evaluated: 2024-04-04. Review status: criteria provided, single submitter. Criteria: ACMG Guidelines, 2015. Collection method: clinical testing. Allele origin: germline.

Blueprint Genetics
Classification: Uncertain significance. Last evaluated: 2023-11-14. Review status: criteria provided, single submitter. Criteria: ACMG Guidelines, 2015. Collection method: clinical testing. Allele origin: germline.

Ambry Genetics
Classification: Uncertain significance for Inborn genetic diseases. Last evaluated: 2022-08-19. Review status: criteria provided, single submitter. Criteria: Ambry Variant Classification Scheme 2023. Collection method: clinical testing. Allele origin: germline.
Comment: Unlikely to be causative of HESX1-related congenital pituitary anomalies (AD). Based on insufficient or conflicting evidence, the clinical significance of this alteration remains unclear.

Baylor Genetics
Classification: Uncertain significance for Septo-optic dysplasia sequence. Last evaluated: 2019-07-16. Review status: criteria provided, single submitter. Criteria: ACMG Guidelines, 2015. Collection method: clinical testing. Allele origin: unknown. Affected: yes.
Comment: This variant was determined to be of uncertain significance according to ACMG Guidelines, 2015 [PMID:25741868].

Literature cited by the submitters: PubMed 23465708 (cited by Labcorp Genetics (formerly Invitae), Labcorp); PubMed 36531499 (cited by Labcorp Genetics (formerly Invitae), Labcorp).